The following is an entry in ClinVar:

NM_001292034.3(TAB2):c.637A>G (p.Ile213Val)

Gene: TAB2 (TGF-beta activated kinase 1 (MAP3K7) binding protein 2; plus strand). Cytogenetic location: 6q25.1.
Variant type: single nucleotide variant.
Coding change: c.637A>G on transcript NM_001292034.3 (MANE Select); coding-DNA position 637, A replaced by G.
Protein change: p.Ile213Val; replaces isoleucine 213 with valine.
Molecular consequence: missense variant.
Genome position (GRCh38, 1-based): chr6:149,378,552, A>G. VCF-style: chr6-149378552-A-G. GRCh37 (hg19) VCF-style: chr6-149699688-A-G.
Other names: c.541A>G, p.Ile181Val (NM_001292035.3); c.637A>G, p.Ile213Val (NM_001369506.1, NM_015093.6); short protein forms I181V, I213V.
Identifiers: ClinVar variation 3620471 (VCV003620471.2).

ClinVar aggregate classification (germline): Uncertain significance (1 of 4 stars; one submission).

gnomAD v4.1: 6 of 1,613,854 alleles (0.00037%); highest among the groups gnomAD compares: East Asian, 0.0022%; no homozygotes.

Submission:

Labcorp Genetics (formerly Invitae), Labcorp
Classification: Uncertain significance. Last evaluated: 2024-12-04. Review status: criteria provided, single submitter. Criteria: Invitae Variant Classification Sherloc (09022015). Collection method: clinical testing. Allele origin: germline.
Comment: This sequence change replaces isoleucine, which is neutral and non-polar, with valine, which is neutral and non-polar, at codon 213 of the TAB2 protein (p.Ile213Val). This variant is present in population databases (no rsID available, gnomAD 0.01%). This variant has not been reported in the literature in individuals affected with TAB2-related conditions. Invitae Evidence Modeling of protein sequence and biophysical properties (such as structural, functional, and spatial information, amino acid conservation, physicochemical variation, residue mobility, and thermodynamic stability) indicates that this missense variant is not expected to disrupt TAB2 protein function with a negative predictive value of 80%. In summary, the available evidence is currently insufficient to determine the role of this variant in disease. Therefore, it has been classified as a Variant of Uncertain Significance.